The following is an entry in ClinVar:

NM_019066.5(MAGEL2):c.2342A>C (p.Glu781Ala)

Gene: MAGEL2 (MAGE family member L2; minus strand). Cytogenetic location: 15q11.2.
Variant type: single nucleotide variant.
Coding change: c.2342A>C on transcript NM_019066.5 (MANE Select); coding-DNA position 2342, A replaced by C.
Protein change: p.Glu781Ala; replaces glutamic acid 781 with alanine.
Molecular consequence: missense variant.
Genome position (GRCh38, 1-based): chr15:23,645,401, T>G on the plus strand (A>C on the coding strand, the complement: MAGEL2 is on the minus strand). VCF-style: chr15-23645401-T-G. GRCh37 (hg19) VCF-style: chr15-23890548-T-G.
Other names: short protein forms E781A.
Identifiers: ClinVar variation 4748154 (VCV004748154.1).

ClinVar aggregate classification (germline): Uncertain significance (1 of 4 stars; one submission).

gnomAD v4.1: 2 of 1,613,970 alleles (0.00012%); highest among the groups gnomAD compares: Admixed American, 0.0033%; no homozygotes.

Submission:

Labcorp Genetics (formerly Invitae), Labcorp
Classification: Uncertain significance. Last evaluated: 2025-02-18. Review status: criteria provided, single submitter. Criteria: Invitae Variant Classification Sherloc (09022015). Collection method: clinical testing. Allele origin: germline.
Comment: This sequence change replaces glutamic acid, which is acidic and polar, with alanine, which is neutral and non-polar, at codon 781 of the MAGEL2 protein (p.Glu781Ala). This variant is present in population databases (rs773477031, gnomAD 0.006%). This variant has not been reported in the literature in individuals affected with MAGEL2-related conditions. Invitae Evidence Modeling of protein sequence and biophysical properties (such as structural, functional, and spatial information, amino acid conservation, physicochemical variation, residue mobility, and thermodynamic stability) indicates that this missense variant is not expected to disrupt MAGEL2 protein function with a negative predictive value of 80%. In summary, the available evidence is currently insufficient to determine the role of this variant in disease. Therefore, it has been classified as a Variant of Uncertain Significance.